The following is an entry in ClinVar:

NM_000038.6(APC):c.7967A>C (p.Asp2656Ala)

Gene: APC (APC regulator of Wnt signaling pathway; plus strand). Cytogenetic location: 5q22.2.
Variant type: single nucleotide variant.
Coding change: c.7967A>C on transcript NM_000038.6 (MANE Select); coding-DNA position 7967, A replaced by C.
Protein change: p.Asp2656Ala; replaces aspartic acid 2656 with alanine.
Molecular consequence: missense variant. On other transcripts: non-coding transcript variant (2).
Genome position (GRCh38, 1-based): chr5:112,843,561, A>C. VCF-style: chr5-112843561-A-C. GRCh37 (hg19) VCF-style: chr5-112179258-A-C.
Other names: c.7967A>C, p.Asp2656Ala (NM_001127510.3, NM_001354895.2, NM_001407450.1); c.7913A>C, p.Asp2638Ala (NM_001127511.3); c.8021A>C, p.Asp2674Ala (NM_001354896.2, NM_001407447.1, NM_001407448.1 and 1 more transcripts); c.7997A>C, p.Asp2666Ala (NM_001354897.2); c.7892A>C, p.Asp2631Ala (NM_001354898.2); c.7883A>C, p.Asp2628Ala (NM_001354899.2); c.7844A>C, p.Asp2615Ala (NM_001354900.2); c.7790A>C, p.Asp2597Ala (NM_001354901.2, NM_001407453.1); and 11 more; short protein forms D2272A, D2373A, D2496A, D2527A, D2530A, D2555A, D2565A, D2573A.
Identifiers: ClinVar variation 4797669 (VCV004797669.1).

ClinVar aggregate classification (germline): Uncertain significance (1 of 4 stars; one submission).

Conditions:
Familial adenomatous polyposis 1 (FAP1). Also called: FAMILIAL ADENOMATOUS POLYPOSIS 1, ATTENUATED; POLYPOSIS, ADENOMATOUS INTESTINAL. Identifiers: MedGen C2713442, MONDO:0021056, OMIM 175100. Disease mechanism: loss of function.

gnomAD v4.1: 4 of 1,613,812 alleles (0.00025%); highest among the groups gnomAD compares: African/African-American, 0.0013%; no homozygotes.

Submission:

Labcorp Genetics (formerly Invitae), Labcorp
Classification: Uncertain significance for Familial adenomatous polyposis 1. Last evaluated: 2025-07-15. Review status: criteria provided, single submitter. Criteria: Invitae Variant Classification Sherloc (09022015). Collection method: clinical testing. Allele origin: germline.
Comment: This sequence change replaces aspartic acid, which is acidic and polar, with alanine, which is neutral and non-polar, at codon 2656 of the APC protein (p.Asp2656Ala). This variant is not present in population databases (gnomAD no frequency). This variant has not been reported in the literature in individuals affected with APC-related conditions. Invitae Evidence Modeling of protein sequence and biophysical properties (such as structural, functional, and spatial information, amino acid conservation, physicochemical variation, residue mobility, and thermodynamic stability) indicates that this missense variant is not expected to disrupt APC protein function with a negative predictive value of 95%. In summary, the available evidence is currently insufficient to determine the role of this variant in disease. Therefore, it has been classified as a Variant of Uncertain Significance.